The following is an entry in ClinVar:

NM_000455.5(STK11):c.921-20C>T

Gene: STK11 (serine/threonine kinase 11; plus strand). Cytogenetic location: 19p13.3.
Variant type: single nucleotide variant.
Coding change: c.921-20C>T on transcript NM_000455.5 (MANE Select); 20 bases into the intron before coding-DNA position 921, C replaced by T.
Molecular consequence: intron variant.
Genome position (GRCh38, 1-based): chr19:1,222,965, C>T. VCF-style: chr19-1222965-C-T. GRCh37 (hg19) VCF-style: chr19-1222964-C-T.
Identifiers: ClinVar variation 2160244 (VCV002160244.5), dbSNP rs2145430516, ClinGen allele CA2580096135.

ClinVar aggregate classification (germline): Likely benign. Review status: criteria provided, multiple submitters, no conflicts (2 of 4 stars). 2 submissions from 2 submitters: Likely benign (2). Last evaluated 2025-03-28.

Conditions:
Peutz-Jeghers syndrome (PJS). Also called: POLYPOSIS, HAMARTOMATOUS INTESTINAL; POLYPS-AND-SPOTS SYNDROME; Peutz-Jeghers polyposis; Periorificial lentiginosis syndrome. Identifiers: Orphanet 2869, MedGen C0031269, MeSH D010580, MONDO:0008280, OMIM 175200.

Submissions (2):

Myriad Genetics, Inc.
Classification: Likely benign for Peutz-Jeghers syndrome. Last evaluated: 2025-03-28. Review status: criteria provided, single submitter. Criteria: Myriad Autosomal Dominant, Autosomal Recessive and X-Linked Classification Criteria (2023). Collection method: clinical testing. Allele origin: unknown.
Comment: This variant is considered likely benign. This variant is intronic and is not expected to impact mRNA splicing.

Labcorp Genetics (formerly Invitae), Labcorp
Classification: Likely benign for Peutz-Jeghers syndrome. Last evaluated: 2022-03-27. Review status: criteria provided, single submitter. Criteria: Invitae Variant Classification Sherloc (09022015). Collection method: clinical testing. Allele origin: germline.